The following is an entry in ClinVar:

NM_001211.6(BUB1B):c.1346T>C (p.Met449Thr)

Gene: BUB1B (BUB1 mitotic checkpoint serine/threonine kinase B; plus strand). Cytogenetic location: 15q15.1.
Variant type: single nucleotide variant.
Coding change: c.1346T>C on transcript NM_001211.6 (MANE Select); coding-DNA position 1346, T replaced by C.
Protein change: p.Met449Thr; replaces methionine 449 with threonine.
Molecular consequence: missense variant.
Genome position (GRCh38, 1-based): chr15:40,199,672, T>C. VCF-style: chr15-40199672-T-C. GRCh37 (hg19) VCF-style: chr15-40491873-T-C.
Other names: short protein forms M449T.
Identifiers: ClinVar variation 2147101 (VCV002147101.4), dbSNP rs779407962, ClinGen allele CA7475707.
Genomic context (GRCh38, chr15:40,199,672, plus strand): 5'-TAGCCGAGCTATTGACCAGTGCAGAGAAGAGAGCAGAAATGCAGAAACAGATTGAAGAGA[T>C]GGAGAAGAAGCTAAAAGAAATCCAAACTACTCAGCAAGAAAGAACAGGTGATCAGGTAAT-3'
Protein context (NP_001202.5, residues 439-459): RAEMQKQIEE[Met449Thr]EKKLKEIQTT

ClinVar aggregate classification (germline): Uncertain significance (1 of 4 stars; one submission).

Conditions:
Mosaic variegated aneuploidy syndrome 1 (MVA1). Also called: Warburton-Anyane-Yeboa syndrome. Identifiers: Orphanet 1052, MedGen C1850343, MONDO:0009759, OMIM 257300.

Allele frequency attached by ClinVar (database versions not stated): ExAC 0.00001; gnomAD exomes 0.00001.
gnomAD v4.1: 11 of 1,614,014 alleles (0.00068%); highest among the groups gnomAD compares: Non-Finnish European, 0.00093%; no homozygotes.

Submission:

Labcorp Genetics (formerly Invitae), Labcorp
Classification: Uncertain significance for Mosaic variegated aneuploidy syndrome 1. Last evaluated: 2022-07-22. Review status: criteria provided, single submitter. Criteria: Invitae Variant Classification Sherloc (09022015). Collection method: clinical testing. Allele origin: germline.
Comment: In summary, the available evidence is currently insufficient to determine the role of this variant in disease. Therefore, it has been classified as a Variant of Uncertain Significance. Algorithms developed to predict the effect of missense changes on protein structure and function are either unavailable or do not agree on the potential impact of this missense change (SIFT: "Tolerated"; PolyPhen-2: "Possibly Damaging"; Align-GVGD: "Class C0"). This variant has not been reported in the literature in individuals affected with BUB1B-related conditions. This variant is present in population databases (rs779407962, gnomAD 0.0009%). This sequence change replaces methionine, which is neutral and non-polar, with threonine, which is neutral and polar, at codon 449 of the BUB1B protein (p.Met449Thr).